The following is an entry in ClinVar:

NM_138927.4(SON):c.518C>T (p.Ala173Val)

Gene: SON (SON DNA and RNA binding protein; plus strand). Cytogenetic location: 21q22.11.
Variant type: single nucleotide variant.
Coding change: c.518C>T on transcript NM_138927.4 (MANE Select); coding-DNA position 518, C replaced by T.
Protein change: p.Ala173Val; replaces alanine 173 with valine.
Molecular consequence: missense variant. On other transcripts: non-coding transcript variant (1), intron variant (1).
Genome position (GRCh38, 1-based): chr21:33,549,749, C>T. VCF-style: chr21-33549749-C-T. GRCh37 (hg19) VCF-style: chr21-34922055-C-T.
Other names: c.518C>T, p.Ala173Val (NM_001291411.2, NM_032195.3); c.244+3370C>T (NM_001291412.3); short protein forms A173V.
Identifiers: ClinVar variation 3343051 (VCV003343051.1).

ClinVar aggregate classification (germline): Uncertain significance (1 of 4 stars; one submission).

gnomAD v4.1: 1 of 1,614,152 alleles (0.000062%); highest among the groups gnomAD compares: African/African-American, 0.0013%; no homozygotes.

Submission:

GeneDx
Classification: Uncertain significance. Last evaluated: 2023-04-12. Review status: criteria provided, single submitter. Criteria: GeneDx Variant Classification Process June 2021. Collection method: clinical testing. Allele origin: germline. Affected: yes.
Comment: In silico analysis supports that this missense variant does not alter protein structure/function; Has not been previously published as pathogenic or benign to our knowledge